The following is an entry in ClinVar:

NM_025144.4(ALPK1):c.2299G>A (p.Glu767Lys)

Gene: ALPK1 (alpha kinase 1; plus strand). Cytogenetic location: 4q25.
Variant type: single nucleotide variant.
Coding change: c.2299G>A on transcript NM_025144.4 (MANE Select); coding-DNA position 2299, G replaced by A.
Protein change: p.Glu767Lys; replaces glutamic acid 767 with lysine.
Molecular consequence: missense variant.
Genome position (GRCh38, 1-based): chr4:112,431,846, G>A. VCF-style: chr4-112431846-G-A. GRCh37 (hg19) VCF-style: chr4-113353002-G-A.
Other names: c.2299G>A, p.Glu767Lys (NM_001102406.2); c.2065G>A, p.Glu689Lys (NM_001253884.2); short protein forms E767K, E689K.
Identifiers: ClinVar variation 3689399 (VCV003689399.2).

ClinVar aggregate classification (germline): Uncertain significance (1 of 4 stars; one submission).

gnomAD v4.1: 2 of 1,614,044 alleles (0.00012%); highest among the groups gnomAD compares: South Asian, 0.0011%; no homozygotes.

Submission:

Labcorp Genetics (formerly Invitae), Labcorp
Classification: Uncertain significance. Last evaluated: 2024-08-31. Review status: criteria provided, single submitter. Criteria: Invitae Variant Classification Sherloc (09022015). Collection method: clinical testing. Allele origin: germline.
Comment: This sequence change replaces glutamic acid, which is acidic and polar, with lysine, which is basic and polar, at codon 767 of the ALPK1 protein (p.Glu767Lys). This variant is not present in population databases (gnomAD no frequency). This variant has not been reported in the literature in individuals affected with ALPK1-related conditions. An algorithm developed to predict the effect of missense changes on protein structure and function outputs the following: PolyPhen-2: "Benign". The lysine amino acid residue is found in multiple mammalian species, which suggests that this missense change does not adversely affect protein function. In summary, the available evidence is currently insufficient to determine the role of this variant in disease. Therefore, it has been classified as a Variant of Uncertain Significance.